The following is an entry in ClinVar:

ClinVar aggregate classification (germline): Uncertain significance (1 of 4 stars; one submission).

Conditions:
Epileptic encephalopathy. Identifiers: MedGen C0543888, HP:0200134.

Submission:

Labcorp Genetics (formerly Invitae), Labcorp
Classification: Uncertain significance for Epileptic encephalopathy. Last evaluated: 2025-07-15. Review status: criteria provided, single submitter. Criteria: Invitae Variant Classification Sherloc (09022015). Collection method: clinical testing. Allele origin: germline.
Comment: This sequence change replaces serine, which is neutral and polar, with alanine, which is neutral and non-polar, at codon 497 of the FASN protein (p.Ser497Ala). This variant is not present in population databases (gnomAD no frequency). This variant has not been reported in the literature in individuals affected with FASN-related conditions. An algorithm developed to predict the effect of missense changes on protein structure and function (PolyPhen-2) suggests that this variant is likely to be tolerated. In summary, the available evidence is currently insufficient to determine the role of this variant in disease. Therefore, it has been classified as a Variant of Uncertain Significance.

NM_004104.5(FASN):c.1489T>G (p.Ser497Ala)

Gene: FASN (fatty acid synthase; minus strand). Cytogenetic location: 17q25.3.
Variant type: single nucleotide variant.
Coding change: c.1489T>G on transcript NM_004104.5 (MANE Select); coding-DNA position 1489, T replaced by G.
Protein change: p.Ser497Ala; replaces serine 497 with alanine.
Molecular consequence: missense variant.
Genome position (GRCh38, 1-based): chr17:82,091,225, A>C on the plus strand (T>G on the coding strand, the complement: FASN is on the minus strand). VCF-style: chr17-82091225-A-C. GRCh37 (hg19) VCF-style: chr17-80049101-A-C.
Other names: short protein forms S497A.
Identifiers: ClinVar variation 4763437 (VCV004763437.1).